The following is an entry in ClinVar:

ClinVar aggregate classification (germline): Uncertain significance (1 of 4 stars; one submission).

Conditions:
Arthrogryposis, distal, type 1A. Also called: ARTHROGRYPOSIS MULTIPLEX CONGENITA, DISTAL, TYPE I. Identifiers: Orphanet 1146, MedGen C6022280, MONDO:0007157, OMIM 108120.

Submission:

Labcorp Genetics (formerly Invitae), Labcorp
Classification: Uncertain significance for Arthrogryposis, distal, type 1A. Last evaluated: 2020-07-29. Review status: criteria provided, single submitter. Criteria: Invitae Variant Classification Sherloc (09022015). Collection method: clinical testing. Allele origin: germline.
Comment: This variant results in a copy number gain of the genomic region encompassing the full coding sequence of the TPM2 gene. The boundaries of this event are unknown as they extend beyond the assayed region for this gene and therefore may encompass additional genes. As the precise location of this event is unknown, it may be in tandem or it may be located elsewhere in the genome. This variant has not been reported in the literature in individuals with TPM2-related conditions. In summary, the available evidence is currently insufficient to determine the role of this variant in disease. Therefore, it has been classified as a Variant of Uncertain Significance.

NC_000009.11:g.(?_35683146)_(36277049_?)dup

Genes: OR13J1 (olfactory receptor family 13 subfamily J member 1; minus strand), OR2S2 (olfactory receptor family 2 subfamily S member 2; minus strand), RECK (reversion inducing cysteine rich protein with kazal motifs; plus strand), SPAG8 (sperm associated antigen 8; minus strand), TLN1 (talin 1; minus strand) and 14 more. Cytogenetic location: 9p13.3.
Variant type: Duplication.
Identifiers: ClinVar variation 1041826 (VCV001041826.3).